The following is an entry in ClinVar:

NM_004863.4(SPTLC2):c.957-1G>C

Gene: SPTLC2 (serine palmitoyltransferase long chain base subunit 2; minus strand). Cytogenetic location: 14q24.3.
Variant type: single nucleotide variant.
Coding change: c.957-1G>C on transcript NM_004863.4 (MANE Select); the canonical splice acceptor site of the intron before coding-DNA position 957, G replaced by C.
Molecular consequence: splice acceptor variant.
Genome position (GRCh38, 1-based): chr14:77,555,520, C>G on the plus strand (G>C on the coding strand, the complement: SPTLC2 is on the minus strand). VCF-style: chr14-77555520-C-G. GRCh37 (hg19) VCF-style: chr14-78021863-C-G.
Identifiers: ClinVar variation 4810392 (VCV004810392.1).

ClinVar aggregate classification (germline): Uncertain significance (1 of 4 stars; one submission).

Conditions:
Neuropathy, hereditary sensory and autonomic, type 1C. Also called: HSAN IC; HSN IC. Identifiers: Orphanet 36386, MedGen C3150896, MONDO:0013337, OMIM 613640.

Submission:

Labcorp Genetics (formerly Invitae), Labcorp
Classification: Uncertain significance for Neuropathy, hereditary sensory and autonomic, type 1C. Last evaluated: 2026-01-08. Review status: criteria provided, single submitter. Criteria: Invitae Variant Classification Sherloc (09022015). Collection method: clinical testing. Allele origin: germline.
Comment: This sequence change affects an acceptor splice site in intron 7 of the SPTLC2 gene. It is expected to disrupt RNA splicing. Variants that disrupt the donor or acceptor splice site typically lead to a loss of protein function (PMID: 16199547), however the current clinical and genetic evidence is not sufficient to establish whether loss-of-function variants in SPTLC2 cause disease. This variant is not present in population databases (gnomAD no frequency). This variant has not been reported in the literature in individuals affected with SPTLC2-related conditions. Algorithms developed to predict the effect of sequence changes on RNA splicing suggest that this variant may disrupt the consensus splice site. In summary, the available evidence is currently insufficient to determine the role of this variant in disease. Therefore, it has been classified as a Variant of Uncertain Significance.

Literature cited by the submitters: PubMed 16199547.